The following is an entry in ClinVar:

NM_000059.4(BRCA2):c.8347del (p.Thr2783fs)

Gene: BRCA2 (BRCA2 DNA repair associated; plus strand). Cytogenetic location: 13q13.1.
Variant type: Deletion.
Coding change: c.8347del on transcript NM_000059.4 (MANE Select); coding-DNA position 8347, one base deleted (A; older notation c.8347delA).
Protein change: p.Thr2783fs; shifts the reading frame from threonine 2783.
Molecular consequence: frameshift variant.
Genome position (GRCh38, 1-based): chr13:32,370,417, A deleted. VCF-style (leftmost placement, unchanged base first): chr13-32370416-TA-T. GRCh37 (hg19) VCF-style: chr13-32944553-TA-T.
Other names: 8575delA; short protein forms T2783fs.
Identifiers: ClinVar variation 267074 (VCV000267074.5), dbSNP rs886040763, ClinGen allele CA10589486.

ClinVar aggregate classification (germline): Pathogenic. Review status: reviewed by expert panel (3 of 4 stars). 2 submissions from 2 submitters: Pathogenic (1). 1 of the submissions does not count toward it. Last evaluated 2016-10-18.

Conditions:
Breast-ovarian cancer, familial, susceptibility to, 2 (BROVCA2). Also called: BRCA2 Hereditary Breast and Ovarian Cancer. Identifiers: Orphanet 145, MedGen C2675520, MONDO:0012933, OMIM 612555. Disease mechanism: loss of function.

Submissions (2):

Evidence-based Network for the Interpretation of Germline Mutant Alleles (ENIGMA)
Classification: Pathogenic for Breast-ovarian cancer, familial, susceptibility to, 2. Last evaluated: 2016-10-18. Review status: reviewed by expert panel. Criteria: ENIGMA BRCA1/2 Classification Criteria (2015). Collection method: curation. Allele origin: germline.
Comment: Variant allele predicted to encode a truncated non-functional protein.

Consortium of Investigators of Modifiers of BRCA1/2 (CIMBA), c/o University of Cambridge
Classification: Pathogenic for Breast-ovarian cancer, familial, susceptibility to, 2. Last evaluated: 2015-10-02. Review status: criteria provided, single submitter. Criteria: CIMBA Mutation Classification guidelines May 2016. Collection method: clinical testing. Allele origin: germline. Not counted in ClinVar's aggregate classification.